The following is an entry in ClinVar:

NM_004415.4(DSP):c.4946G>T (p.Arg1649Met)

Gene: DSP (desmoplakin; plus strand). Cytogenetic location: 6p24.3.
Variant type: single nucleotide variant.
Coding change: c.4946G>T on transcript NM_004415.4 (MANE Select); coding-DNA position 4946, G replaced by T.
Protein change: p.Arg1649Met; replaces arginine 1649 with methionine.
Molecular consequence: missense variant. On other transcripts: intron variant (2).
Genome position (GRCh38, 1-based): chr6:7,581,136, G>T. VCF-style: chr6-7581136-G-T. GRCh37 (hg19) VCF-style: chr6-7581369-G-T.
Other names: c.4050+896G>T (NM_001319034.2); c.3582+1364G>T (NM_001008844.3); short protein forms R1649M.
Identifiers: ClinVar variation 3386686 (VCV003386686.1).

ClinVar aggregate classification (germline): Uncertain significance (1 of 4 stars; one submission).

Conditions:
Arrhythmogenic cardiomyopathy with wooly hair and keratoderma. Also called: Carvajal syndrome; PALMOPLANTAR KERATODERMA WITH LEFT VENTRICULAR CARDIOMYOPATHY AND WOOLLY HAIR; Dilated cardiomyopathy with woolly hair and keratoderma; Arrhythmogenic cardiomyopathy with woolly hair and keratoderma. Identifiers: Orphanet 65282, MedGen C1854063, MONDO:0011581, OMIM 605676.

Submission:

All of Us Research Program, National Institutes of Health
Classification: Uncertain significance for Arrhythmogenic cardiomyopathy with wooly hair and keratoderma. Last evaluated: 2024-07-29. Review status: criteria provided, single submitter. Criteria: ACMG Guidelines, 2015. Collection method: clinical testing. Allele origin: germline. Inheritance: Autosomal dominant inheritance. Observed: 1 variant allele, 1 heterozygote.
Comment: This missense variant replaces arginine with methionine at codon 1649 of the DSP protein. Computational prediction suggests that this variant may not impact protein structure and function (internally defined REVEL score threshold <= 0.5, PMID: 27666373). To our knowledge, functional studies have not been reported for this variant. This variant has not been reported in individuals affected with DSP-related disorders in the literature. This variant has not been identified in the general population by the Genome Aggregation Database (gnomAD). The available evidence is insufficient to determine the role of this variant in disease conclusively. Therefore, this variant is classified as a Variant of Uncertain Significance.

This study involves interpretation of variants in research participants for the purpose of population health screening. Participant phenotype was not available at the time of variant classification. Additional details can be found in publication PMID: 35346344, PMCID: PMC8962531